The following is an entry in ClinVar:

NM_000053.4(ATP7B):c.3272G>A (p.Cys1091Tyr)

Gene: ATP7B (ATPase copper transporting beta; minus strand). Cytogenetic location: 13q14.3.
Variant type: single nucleotide variant.
Coding change: c.3272G>A on transcript NM_000053.4 (MANE Select); coding-DNA position 3272, G replaced by A.
Protein change: p.Cys1091Tyr; replaces cysteine 1091 with tyrosine.
Molecular consequence: missense variant.
Genome position (GRCh38, 1-based): chr13:51,942,526, C>T on the plus strand (G>A on the coding strand, the complement: ATP7B is on the minus strand). VCF-style: chr13-51942526-C-T. GRCh37 (hg19) VCF-style: chr13-52516662-C-T.
Other names: c.2651G>A, p.Cys884Tyr (NM_001005918.3); c.2939G>A, p.Cys980Tyr (NM_001243182.2); c.3038G>A, p.Cys1013Tyr (NM_001330578.2); c.3020G>A, p.Cys1007Tyr (NM_001330579.2); short protein forms C1091Y, C884Y, C1007Y, C980Y, C1013Y.
Identifiers: ClinVar variation 553303 (VCV000553303.19), dbSNP rs778825095, ClinGen allele CA6988749.

ClinVar aggregate classification (germline): Conflicting classifications of pathogenicity. Review status: criteria provided, conflicting classifications (1 of 4 stars). 8 submissions from 8 submitters: Likely pathogenic (2); Uncertain significance (5). 1 of the submissions does not count toward it. Last evaluated 2025-11-10.

Conditions:
Inborn genetic diseases. Identifiers: MedGen C0950123, MeSH D030342.
Wilson disease (WND). Also called: Wilson's disease. Identifiers: Orphanet 905, MedGen C0019202, MONDO:0010200, OMIM 277900. Disease mechanism: loss of function.

Allele frequency attached by ClinVar (database versions not stated): gnomAD exomes below 0.00001; TOPMed below 0.00001; ExAC 0.00001.
gnomAD v4.1: 1 of 1,614,146 alleles (0.000062%); highest among the groups gnomAD compares: Admixed American, 0.0017%; no homozygotes.

Submissions (8):

Labcorp Genetics (formerly Invitae), Labcorp
Classification: Uncertain significance for Wilson disease. Last evaluated: 2025-11-10. Review status: criteria provided, single submitter. Criteria: Invitae Variant Classification Sherloc (09022015). Collection method: clinical testing. Allele origin: germline.
Comment: This sequence change replaces cysteine, which is neutral and slightly polar, with tyrosine, which is neutral and polar, at codon 1091 of the ATP7B protein (p.Cys1091Tyr). This variant is present in population databases (rs778825095, gnomAD 0.003%). This missense change has been observed in individual(s) with Wilson disease (PMID: 17587212). ClinVar contains an entry for this variant (Variation ID: 553303). Invitae Evidence Modeling of protein sequence and biophysical properties (such as structural, functional, and spatial information, amino acid conservation, physicochemical variation, residue mobility, and thermodynamic stability) indicates that this missense variant is expected to disrupt ATP7B protein function with a positive predictive value of 80%. Experimental studies have shown that this missense change affects ATP7B function (PMID: 17587212, 36096368). This variant disrupts the p.Cys1091 amino acid residue in ATP7B. Other variant(s) that disrupt this residue have been determined to be pathogenic (PMID: 34470610; internal data). This suggests that this residue is clinically significant, and that variants that disrupt this residue are likely to be disease-causing. In summary, the available evidence is currently insufficient to determine the role of this variant in disease. Therefore, it has been classified as a Variant of Uncertain Significance.

All of Us Research Program, National Institutes of Health
Classification: Uncertain significance for Wilson disease. Last evaluated: 2024-08-23. Review status: criteria provided, single submitter. Criteria: ACMG Guidelines, 2015. Collection method: clinical testing. Allele origin: germline. Inheritance: Autosomal recessive inheritance. Observed: 1 variant allele, 1 heterozygote.
Comment: This missense variant replaces cysteine with tyrosine at codon 1091 of the ATP7B protein. Computational prediction suggests that this variant may have deleterious impact on protein structure and function (internally defined REVEL score threshold >= 0.7, PMID: 27666373). In a yeast complementation assay, this variant disrupted the ability to rescue function (PMID: 17587212). This variant has been reported in individuals affected with Wilson disease (PMID: 17587212). This variant has been identified in 1/249554 chromosomes in the general population by the Genome Aggregation Database (gnomAD). The available evidence is insufficient to determine the role of this variant in disease conclusively. Therefore, this variant is classified as a Variant of Uncertain Significance.

This study involves interpretation of variants in research participants for the purpose of population health screening. Participant phenotype was not available at the time of variant classification. Additional details can be found in publication PMID: 35346344, PMCID: PMC8962531

Fulgent Genetics
Classification: Likely pathogenic for Wilson disease. Last evaluated: 2024-04-25. Review status: criteria provided, single submitter. Criteria: ACMG Guidelines, 2015. Collection method: clinical testing. Allele origin: germline.

Ambry Genetics
Classification: Uncertain significance for Inborn genetic diseases. Last evaluated: 2021-12-08. Review status: criteria provided, single submitter. Criteria: Ambry Variant Classification Scheme 2023. Collection method: clinical testing. Allele origin: germline.
Comment: The c.3272G>A (p.C1091Y) alteration is located in exon 15 (coding exon 15) of the ATP7B gene. This alteration results from a G to A substitution at nucleotide position 3272, causing the cysteine (C) at amino acid position 1091 to be replaced by a tyrosine (Y). Based on data from gnomAD, the A allele has an overall frequency of <0.01% (1/249554) total alleles studied. The highest observed frequency was <0.01% (1/34524) of Latino alleles. This amino acid position is highly conserved in available vertebrate species. This alteration is predicted to be deleterious by in silico analysis. Based on insufficient or conflicting evidence, the clinical significance of this alteration remains unclear.

Genome-Nilou Lab
Classification: Uncertain significance for Wilson disease. Last evaluated: 2021-08-10. Review status: criteria provided, single submitter. Criteria: ACMG Guidelines, 2015. Collection method: clinical testing. Allele origin: germline. Affected: no.

Women's Health and Genetics/Laboratory Corporation of America, LabCorp
Classification: Uncertain significance. Last evaluated: 2017-12-08. Review status: criteria provided, single submitter. Criteria: LabCorp Variant Classification Summary - May 2015. Collection method: clinical testing. Allele origin: germline.
Comment: Variant summary: The ATP7B c.3272G>A (p.Cys1091Tyr) variant involves the alteration of a conserved nucleotide. 5/5 in silico tools predict a damaging outcome for this variant. This variant was found in 1/246320 control chromosomes at a frequency of 0.0000041, which does not exceed the estimated maximal expected allele frequency of a pathogenic ATP7B variant (0.0054006). The variant has been reported in one Wilson disease patient in the literature as a compound heterozygous allele (Park_2007). This study also performed complementation assays that showed the variant reduced yeast growth compared to controls, suggesting normal function is impaired. Taken together, this variant is classified as VUS-possibly pathogenic.

ARUP Laboratories, Molecular Genetics and Genomics, ARUP Laboratories
Classification: Likely pathogenic. Last evaluated: 2017-11-10. Review status: criteria provided, single submitter. Criteria: ARUP Molecular Germline Variant Investigation Process. Collection method: clinical testing. Allele origin: germline.
Comment: The ATP7B c.3272G>A; p.Cys1091Tyr variant is published in the medical literature in at least one individual with Wilson disease (Park 2007). Another variant in the same codon, p.Cys1091Arg, is also published in the medical literature in an individual with suspected Wilson disease (Dong 2016). The p.Cys1091Tyr variant is not listed in the ClinVar database, but is listed in the dbSNP variant database (rs778825095), and in the Genomics Aggregation Database in 1/246220 alleles. The cysteine at codon 1091 is moderately conserved across species, occurs in the N domain important for ATP binding (Hercend 2011, Morgan 2004), and computational algorithms (PolyPhen2, SIFT) predict this variant is deleterious. Considering available information, this variant is classified as likely pathogenic. References: Dong Y et al. Spectrum and Classification of ATP7B Variants in a Large Cohort of Chinese Patients with Wilson's Disease Guides Genetic Diagnosis. Theranostics. 2016 Mar 3;6(5):638-49. Hercend C et al. Elucidation of the ATP7B N-domain Mg2+-ATP coordination site and its allosteric regulation. PLoS One. 2011;6(10):e26245. Morgan CT et al. The distinct functional properties of the nucleotide-binding domain of ATP7B, the human copper-transporting ATPase: analysis of the Wilson disease mutations E1064A, H1069Q, R1151H, and C1104F. J Biol Chem. 2004 Aug 27;279(35):36363-71. Park S et al. Identification of novel ATP7B gene mutations and their functional roles in Korean patients with Wilson disease. Hum Mutat. 2007 Nov;28(11):1108-13.

Counsyl
Classification: Uncertain significance for Wilson disease. Last evaluated: 2017-08-23. Review status: no assertion criteria provided. Collection method: clinical testing. Allele origin: unknown. Not counted in ClinVar's aggregate classification.

Literature cited by the submitters: PubMed 17587212 (cited by 4 submitters); PubMed 36096368 (cited by Labcorp Genetics (formerly Invitae), Labcorp); PubMed 34470610 (cited by Labcorp Genetics (formerly Invitae), Labcorp); PubMed 22692182 (cited by Women's Health and Genetics/Laboratory Corporation of America, LabCorp).